The following is an entry in ClinVar:

NM_057175.5(NAA15):c.1285A>T (p.Arg429Trp)

Gene: NAA15 (N-alpha-acetyltransferase 15, NatA auxiliary subunit; plus strand). Cytogenetic location: 4q31.1.
Variant type: single nucleotide variant.
Coding change: c.1285A>T on transcript NM_057175.5 (MANE Select); coding-DNA position 1285, A replaced by T.
Protein change: p.Arg429Trp; replaces arginine 429 with tryptophan.
Molecular consequence: missense variant.
Genome position (GRCh38, 1-based): chr4:139,359,770, A>T. VCF-style: chr4-139359770-A-T. GRCh37 (hg19) VCF-style: chr4-140280924-A-T.
Other names: c.1285A>T, p.Arg429Trp (NM_001410842.1, NM_025085.2); short protein forms R429W.
Identifiers: ClinVar variation 3005157 (VCV003005157.4), dbSNP rs1420333088, ClinGen allele CA358267311.

ClinVar aggregate classification (germline): Uncertain significance. Review status: criteria provided, multiple submitters, no conflicts (2 of 4 stars). 2 submissions from 2 submitters: Uncertain significance (2). Last evaluated 2024-03-21.

Conditions:
Intellectual developmental disorder, autosomal dominant 50, with behavioral abnormalities. Also called: Intellectual disability, autosomal dominant 50; MENTAL RETARDATION, AUTOSOMAL DOMINANT 50. Identifiers: MedGen C4540470, MONDO:0030916, OMIM 617787.

Allele frequency attached by ClinVar (database versions not stated): gnomAD exomes below 0.00001.
gnomAD v4.1: 6 of 1,603,236 alleles (0.00037%); highest among the groups gnomAD compares: Non-Finnish European, 0.00051%; no homozygotes.

Submissions (2):

Clinical Genomics Laboratory, Washington University in St. Louis
Classification: Uncertain significance for Intellectual developmental disorder, autosomal dominant 50, with behavioral abnormalities. Last evaluated: 2024-03-21. Review status: criteria provided, single submitter. Criteria: ACMG Guidelines, 2015. Collection method: clinical testing. Allele origin: germline.
Comment: The NAA15 c.1285A>T (p.Arg429Trp) variant, to our knowledge, has not been reported in the medical literature. This variant is only observed on 1/236,602 alleles in the general population (gnomAD v.2.1.1), indicating it is not a common variant. Computational predictors suggest that the variant does not impact NAA15 function. This variant has been reported in the ClinVar database as a germline variant of uncertain significance by one submitter. Due to limited information, and based on ACMG/AMP guidelines for variant interpretation (Richards S et al., PMID: 25741868), the clinical significance of this variant is uncertain at this time.

Labcorp Genetics (formerly Invitae), Labcorp
Classification: Uncertain significance. Last evaluated: 2023-09-21. Review status: criteria provided, single submitter. Criteria: Invitae Variant Classification Sherloc (09022015). Collection method: clinical testing. Allele origin: germline.
Comment: In summary, the available evidence is currently insufficient to determine the role of this variant in disease. Therefore, it has been classified as a Variant of Uncertain Significance. An algorithm developed to predict the effect of missense changes on protein structure and function (PolyPhen-2) suggests that this variant is likely to be disruptive. This variant has not been reported in the literature in individuals affected with NAA15-related conditions. This variant is present in population databases (no rsID available, gnomAD 0.0009%). This sequence change replaces arginine, which is basic and polar, with tryptophan, which is neutral and slightly polar, at codon 429 of the NAA15 protein (p.Arg429Trp).